The following is an entry in ClinVar:

ClinVar aggregate classification (germline): Likely benign. Review status: criteria provided, multiple submitters, no conflicts (2 of 4 stars). 4 submissions from 4 submitters: Likely benign (4). Last evaluated 2025-06-03.

Conditions:
Glycogen storage disease type III (GSD3). Also called: Cori disease; FORBES DISEASE. Identifiers: Orphanet 366, MedGen C0017922, MONDO:0009291, OMIM 232400.

Allele frequency attached by ClinVar (database versions not stated): 1000 Genomes Project 0.00020; 1000 Genomes Project 30x 0.00031; gnomAD 0.00001 and 0.00002; TOPMed 0.00003; ExAC 0.00004; gnomAD exomes 0.00004.
gnomAD v4.1: 50 of 1,614,028 alleles (0.0031%); highest among the groups gnomAD compares: Middle Eastern, 0.017%; no homozygotes.

Submissions (4):

ARUP Laboratories, Molecular Genetics and Genomics, ARUP Laboratories
Classification: Likely benign. Last evaluated: 2025-06-03. Review status: criteria provided, single submitter. Criteria: ARUP Molecular Germline Variant Investigation Process 2024. Collection method: clinical testing. Allele origin: germline.

CeGaT Center for Human Genetics Tuebingen
Classification: Likely benign. Last evaluated: 2024-11-01. Review status: criteria provided, single submitter. Criteria: CeGaT Center For Human Genetics Tuebingen Variant Classification Criteria Version 2. Collection method: clinical testing. Allele origin: germline. Affected: yes. Observed: 1 variant allele.
Comment: AGL: BP4, BP7

Labcorp Genetics (formerly Invitae), Labcorp
Classification: Likely benign for Glycogen storage disease type III. Last evaluated: 2024-06-20. Review status: criteria provided, single submitter. Criteria: Invitae Variant Classification Sherloc (09022015). Collection method: clinical testing. Allele origin: germline.

Blueprint Genetics
Classification: Likely benign. Last evaluated: 2023-06-19. Review status: criteria provided, single submitter. Criteria: ACMG Guidelines, 2015. Collection method: clinical testing. Allele origin: germline.

NM_000642.3(AGL):c.1749A>G (p.Ala583=)

Gene: AGL (amylo-alpha-1,6-glucosidase and 4-alpha-glucanotransferase; plus strand). Cytogenetic location: 1p21.2.
Variant type: single nucleotide variant.
Coding change: c.1749A>G on transcript NM_000642.3 (MANE Select); coding-DNA position 1749, A replaced by G.
Protein change: p.Ala583=; no amino-acid change (alanine 583 retained).
Molecular consequence: synonymous variant.
Genome position (GRCh38, 1-based): chr1:99,880,645, A>G. VCF-style: chr1-99880645-A-G. GRCh37 (hg19) VCF-style: chr1-100346201-A-G.
Other names: c.1749A>G, p.Ala583= (NM_000028.3, NM_000643.3, NM_000644.3 and 2 more transcripts); c.1701A>G, p.Ala567= (NM_000646.3); c.1548A>G, p.Ala516= (NM_001425327.1); c.1545A>G, p.Ala515= (NM_001425328.1, NM_001425329.1); c.1371A>G, p.Ala457= (NM_001425332.1).
Identifiers: ClinVar variation 526612 (VCV000526612.28), dbSNP rs577669321, ClinGen allele CA966586.
Genomic context (GRCh38, chr1:99,880,645, plus strand): 5'-GGACATAAATAATGAAGATTGTTAAAATATTCTGTAATGCTCTGCAGAGGCAATGAGTGC[A>G]TATAATAGTCATGAAGAGGGCAGATTAGTTTACCGATATGGAGGAGAACCTGTTGGATCC-3'
Protein context (NP_000633.2, residues 573-593): ISSLIREAMS[Ala583=]YNSHEEGRLV